The following is an entry in ClinVar:

NM_000384.3(APOB):c.7589A>C (p.Gln2530Pro)

Gene: APOB (apolipoprotein B; minus strand). Cytogenetic location: 2p24.1.
Variant type: single nucleotide variant.
Coding change: c.7589A>C on transcript NM_000384.3 (MANE Select); coding-DNA position 7589, A replaced by C.
Protein change: p.Gln2530Pro; replaces glutamine 2530 with proline.
Molecular consequence: missense variant.
Genome position (GRCh38, 1-based): chr2:21,009,279, T>G on the plus strand (A>C on the coding strand, the complement: APOB is on the minus strand). VCF-style: chr2-21009279-T-G. GRCh37 (hg19) VCF-style: chr2-21232151-T-G.
Other names: short protein forms Q2530P.
Identifiers: ClinVar variation 4278812 (VCV004278812.1), dbSNP rs1489058435.

ClinVar aggregate classification (germline): Uncertain significance (1 of 4 stars; one submission).

Allele frequency attached by ClinVar (database versions not stated): gnomAD exomes below 0.00001.
gnomAD v4.1: 4 of 1,614,096 alleles (0.00025%); highest among the groups gnomAD compares: Non-Finnish European, 0.00034%; no homozygotes.

Submission:

GeneDx
Classification: Uncertain significance. Last evaluated: 2025-04-01. Review status: criteria provided, single submitter. Criteria: GeneDx Variant Classification Process June 2021. Collection method: clinical testing. Allele origin: germline. Affected: yes.
Comment: Not observed at significant frequency in large population cohorts (gnomAD); In silico analysis supports that this missense variant has a deleterious effect on protein structure/function; Has not been previously published as pathogenic or benign to our knowledge